The following is an entry in ClinVar:

ClinVar aggregate classification (germline): Pathogenic/Likely pathogenic. Review status: criteria provided, multiple submitters, no conflicts (2 of 4 stars). 4 submissions from 4 submitters: Pathogenic (3); Likely pathogenic (1). Last evaluated 2026-03-19.

Conditions:
Multiple endocrine neoplasia, type 1 (MEN1). Also called: MEN I; WERMER SYNDROME; Endocrine adenomatosis multiple; MEN 1; MEA I. Identifiers: Orphanet 652, MedGen C0025267, MeSH D018761, MONDO:0007540, OMIM 131100.
Hereditary cancer-predisposing syndrome. Also called: Hereditary Cancer Syndrome; Hereditary neoplastic syndrome; Neoplastic Syndromes, Hereditary; Tumor predisposition. Identifiers: Orphanet 140162, MedGen C0027672, MeSH D009386, MONDO:0015356.

Submissions (4):

Myriad Genetics, Inc.
Classification: Pathogenic for Multiple endocrine neoplasia, type 1. Last evaluated: 2026-03-19. Review status: criteria provided, single submitter. Criteria: Myriad Autosomal Dominant, Autosomal Recessive and X-Linked Classification Criteria (2023). Collection method: clinical testing. Allele origin: unknown.
Comment: This variant is considered pathogenic. This variant creates a frameshift predicted to result in premature protein truncation.

Labcorp Genetics (formerly Invitae), Labcorp
Classification: Pathogenic for Multiple endocrine neoplasia, type 1. Last evaluated: 2025-12-19. Review status: criteria provided, single submitter. Criteria: Invitae Variant Classification Sherloc (09022015). Collection method: clinical testing. Allele origin: germline.
Comment: This sequence change creates a premature translational stop signal (p.Val537Cysfs*22) in the MEN1 gene. While this is not anticipated to result in nonsense mediated decay, it is expected to disrupt the last 74 amino acid(s) of the MEN1 protein. This variant is not present in population databases (gnomAD no frequency). This premature translational stop signal has been observed in individual(s) with clinical features of MEN1-related conditions (PMID: 15714081). ClinVar contains an entry for this variant (Variation ID: 1459608). This variant disrupts a region of the MEN1 protein in which other variant(s) (p.Thr580Argfs*8) have been determined to be pathogenic (PMID: 15331604, 16449969). This suggests that this is a clinically significant region of the protein, and that variants that disrupt it are likely to be disease-causing. For these reasons, this variant has been classified as Pathogenic.

Ambry Genetics
Classification: Pathogenic for Hereditary cancer-predisposing syndrome. Last evaluated: 2023-02-21. Review status: criteria provided, single submitter. Criteria: Ambry Variant Classification Scheme 2023. Collection method: clinical testing. Allele origin: germline.
Comment: The c.1609delG pathogenic mutation, located in coding exon 9 of the MEN1 gene, results from a deletion of one nucleotide at nucleotide position 1609, causing a translational frameshift with a predicted alternate stop codon (p.V537Cfs*22). This alteration occurs at the 3' terminus of theMEN1 gene, is not expected to trigger nonsense-mediated mRNA decay, and only impacts the last 74 amino acids of the protein. However, premature stop codons are typically deleterious in nature and the impacted region is critical for protein function (Ambry internal data). This alteration, designated as a deletion creating a frameshift at codon 536, was reported in an individual who underwent MEN1 testing due to clinical suspicion of multiple endocrine neoplasia type 1 (Klein RD et al. Genet Med, 2005 Feb;7:131-8). This variant is considered to be rare based on population cohorts in the Genome Aggregation Database (gnomAD). Based on the supporting evidence, this alteration is interpreted as a disease-causing mutation.

ARUP Laboratories, Molecular Genetics and Genomics, ARUP Laboratories
Classification: Likely pathogenic. Last evaluated: 2022-05-19. Review status: criteria provided, single submitter. Criteria: ARUP Molecular Germline Variant Investigation Process 2021. Collection method: clinical testing. Allele origin: germline.
Comment: The MEN1 c.1609delG; p.Val537CysfsTer22 variant is reported in the literature in an individual undergoing genetic testing for multiple endocrine neoplasia type 1 (Klein 2005) and is reported as pathogenic in the ClinVar database (Variation ID: 1459608). This variant is absent from the Genome Aggregation Database, indicating it is not a common polymorphism. This variant results in a premature termination codon in the last exon of the MEN1 gene. While this may not lead to nonsense-mediated decay, it is expected to create a truncated MEN1 protein. Additionally, several downstream truncating variants have been described in individuals with multiple endocrine neoplasia type 1 (Giraud 1998, Klein 2005, Romanet 2019) and this region is critical for protein function (Nelakurti 2020). Based on available information, this variant is classified as likely pathogenic. References: Giraud S et al. Germ-line mutation analysis in patients with multiple endocrine neoplasia type 1 and related disorders. Am J Hum Genet. 1998 Aug;63(2):455-67. PMID: 9683585. Klein RD et al. Clinical testing for multiple endocrine neoplasia type 1 in a DNA diagnostic laboratory. Genet Med. 2005 Feb;7(2):131-8. PMID: 15714081. Nelakurti DD et al. Comprehensive Analysis of MEN1 Mutations and Their Role in Cancer. Cancers (Basel). 2020 Sep 14;12(9):2616. PMID: 32937789. Romanet P et al. UMD-MEN1 Database: An Overview of the 370 MEN1 Variants Present in 1676 Patients From the French Population. J Clin Endocrinol Metab. 2019 Mar 1;104(3):753-764. PMID: 30339208.

Literature cited by the submitters: PubMed 15714081 (cited by Labcorp Genetics (formerly Invitae), Labcorp and Ambry Genetics); PubMed 15331604 (cited by Labcorp Genetics (formerly Invitae), Labcorp); PubMed 16449969 (cited by Labcorp Genetics (formerly Invitae), Labcorp).

NM_001370259.2(MEN1):c.1609del (p.Val537fs)

Gene: MEN1 (menin 1; minus strand). Cytogenetic location: 11q13.1.
Variant type: Deletion.
Coding change: c.1609del on transcript NM_001370259.2 (MANE Select); coding-DNA position 1609, one base deleted (G; older notation c.1609delG).
Protein change: p.Val537fs; shifts the reading frame from valine 537.
Molecular consequence: frameshift variant.
Genome position (GRCh38, 1-based): chr11:64,804,558, C deleted on the plus strand (G on the coding strand, the reverse complement: MEN1 is on the minus strand); the first of 2 consecutive C bases (chr11:64,804,558-64,804,559); deleting either gives the same sequence. VCF-style (leftmost placement, unchanged base first): chr11-64804557-AC-A. GRCh37 (hg19) VCF-style: chr11-64572029-AC-A.
Other names: c.1624del, p.Val542fs (NM_000244.4, NM_130800.3, NM_130801.3 and 3 more transcripts); c.1735del, p.Val579fs (NM_001370251.2); c.1609del, p.Val537fs (NM_001370260.2, NM_001370261.2, NM_130799.3); c.1504del, p.Val502fs (NM_001370262.2, NM_001370263.2); short protein forms V542fs, V537fs, V502fs, V579fs.
Identifiers: ClinVar variation 1459608 (VCV001459608.15), dbSNP rs2136083128, ClinGen allele CA2573147436.